The following is an entry in ClinVar:

ClinVar aggregate classification (germline): Pathogenic. Review status: reviewed by expert panel (3 of 4 stars). 3 submissions from 3 submitters: Pathogenic (1). 2 of the submissions do not count toward it. Last evaluated 2016-09-08.

Conditions:
Hereditary breast ovarian cancer syndrome. Also called: BRCA1- and BRCA2-Associated Hereditary Breast and Ovarian Cancer; Hereditary breast and ovarian cancer syndrome; Hereditary breast and ovarian cancer syndrome (HBOC); Breast and ovarian cancer; Hereditary breast and/or ovarian cancer syndrome; Hereditary breast and ovarian cancer. Identifiers: Orphanet 145, MedGen C0677776, MeSH D061325, MONDO:0003582. Disease mechanism: loss of function.
Breast-ovarian cancer, familial, susceptibility to, 1 (BROVCA1). Also called: BRCA1 Hereditary Breast and Ovarian Cancer; OVARIAN CANCER, SUSCEPTIBILITY TO. Identifiers: Orphanet 145, MedGen C2676676, MONDO:0011450, OMIM 604370. Disease mechanism: loss of function.

Submissions (3):

Evidence-based Network for the Interpretation of Germline Mutant Alleles (ENIGMA)
Classification: Pathogenic for Breast-ovarian cancer, familial, susceptibility to, 1. Last evaluated: 2016-09-08. Review status: reviewed by expert panel. Criteria: ENIGMA BRCA1/2 Classification Criteria (2015). Collection method: curation. Allele origin: germline.
Comment: Variant allele predicted to encode a truncated non-functional protein.

Labcorp Genetics (formerly Invitae), Labcorp
Classification: Pathogenic for Hereditary breast ovarian cancer syndrome. Last evaluated: 2024-04-22. Review status: criteria provided, single submitter. Criteria: Invitae Variant Classification Sherloc (09022015). Collection method: clinical testing. Allele origin: germline. Not counted in ClinVar's aggregate classification.
Comment: This sequence change creates a premature translational stop signal (p.Ser1796Phefs*34) in the BRCA1 gene. While this is not anticipated to result in nonsense mediated decay, it is expected to disrupt the last 68 amino acid(s) of the BRCA1 protein. This variant is not present in population databases (gnomAD no frequency). This variant has not been reported in the literature in individuals affected with BRCA1-related conditions. ClinVar contains an entry for this variant (Variation ID: 55558). This variant disrupts a region of the BRCA1 protein in which other variant(s) (p.Tyr1853*) have been determined to be pathogenic (PMID: 7894493, 10811118, 11739404, 12400015, 21922593; Invitae). This suggests that this is a clinically significant region of the protein, and that variants that disrupt it are likely to be disease-causing. For these reasons, this variant has been classified as Pathogenic.

Breast Cancer Information Core (BIC) (BRCA1)
Classification: Pathogenic for Breast-ovarian cancer, familial 1. Last evaluated: 2000-01-01. Review status: no assertion criteria provided. Collection method: clinical testing. Allele origin: somatic. Affected: yes. Observed: 1 variant allele. Not counted in ClinVar's aggregate classification.

Literature cited by the submitters: PubMed 7894493 (cited by Labcorp Genetics (formerly Invitae), Labcorp); PubMed 10811118 (cited by Labcorp Genetics (formerly Invitae), Labcorp); PubMed 11739404 (cited by Labcorp Genetics (formerly Invitae), Labcorp); PubMed 12400015 (cited by Labcorp Genetics (formerly Invitae), Labcorp); PubMed 21922593 (cited by Labcorp Genetics (formerly Invitae), Labcorp).

NM_007294.4(BRCA1):c.5386dup (p.Ser1796fs)

Gene: BRCA1 (BRCA1 DNA repair associated; minus strand). Cytogenetic location: 17q21.31.
Variant type: Duplication.
Coding change: c.5386dup on transcript NM_007294.4 (MANE Select); coding-DNA position 5386, one base duplicated (T; older notation c.5386dupT).
Protein change: p.Ser1796fs; shifts the reading frame from serine 1796.
Molecular consequence: frameshift variant. On other transcripts: non-coding transcript variant (1), intron variant (1).
Genome position (GRCh38, 1-based): chr17:43,049,141, A duplicated on the plus strand (T on the coding strand, the reverse complement: BRCA1 is on the minus strand); the first of 3 consecutive A bases (chr17:43,049,141-43,049,143); duplicating any one gives the same sequence. VCF-style (leftmost placement, unchanged base first): chr17-43049140-G-GA. GRCh37 (hg19) VCF-style: chr17-41201157-G-GA.
Other names: 5502insT; c.5386dupT (NM_007294.3); c.1949dup, p.Ser651Phefs (NM_001408441.1, NM_001408442.1, NM_001408443.1 and 10 more transcripts); c.1946dup, p.Ser650Phefs (NM_001408445.1, NM_001408446.1, NM_001408447.1 and 2 more transcripts); c.1940dup, p.Ser648Phefs (NM_001408451.1); c.1934dup, p.Ser646Phefs (NM_001408452.1, NM_001408453.1, NM_001408454.1 and 3 more transcripts); c.1931dup, p.Ser645Phefs (NM_001408458.1, NM_001408459.1, NM_001408460.1 and 7 more transcripts); c.1928dup, p.Ser644Phefs (NM_001408468.1, NM_001408469.1, NM_001408470.1); and 77 more; short protein forms S1749fs, S1796fs, S1817fs, S692fs.
Identifiers: ClinVar variation 55558 (VCV000055558.10), dbSNP rs80357838, ClinGen allele CA268393.
Genomic context (GRCh38, chr17:43,049,140, plus strand): 5'-ATATTGTGTCCTCCCTCTCTGACAGGGCACCCAATACTTACTGTGCCAAGGGTGAATGAT[G>GA]AAAGCTCCTTCACCACAGAAGCACCACACAGCTGTACCATCCATTCCAGTTGATCTAAAA-3'